The following is an entry in ClinVar:

NM_021008.4(DEAF1):c.1593+3A>C

Gene: DEAF1 (DEAF1 transcription factor; minus strand). Cytogenetic location: 11p15.5.
Variant type: single nucleotide variant.
Coding change: c.1593+3A>C on transcript NM_021008.4 (MANE Select); 3 bases into the intron after coding-DNA position 1593, A replaced by C.
Molecular consequence: intron variant.
Genome position (GRCh38, 1-based): chr11:653,959, T>G on the plus strand (A>C on the coding strand, the complement: DEAF1 is on the minus strand). VCF-style: chr11-653959-T-G. GRCh37 (hg19) VCF-style: chr11-653959-T-G.
Other names: c.867+3A>C (NM_001367390.1, NM_001440885.1, NM_001440887.1 and 1 more transcripts); c.1368+3A>C (NM_001293634.2); c.1464+3A>C (NM_001440884.1); c.1504-9305A>C (NM_001440883.1).
Identifiers: ClinVar variation 2172337 (VCV002172337.4), dbSNP rs1465236398, ClinGen allele CA596791307.
Genomic context (GRCh38, chr11:653,959, plus strand): 5'-CCCAGGGGTCTTCGTAGCGAGGGAGGAGGCGGGGGCACTGAGCCTGGTGTAGGTGAGACC[T>G]ACCTTGCGTTGGCAGAAGGTGGAGCAGTAGTTGACCTTGTGGCAGCCGGTGCACTCGCTC-3'

ClinVar aggregate classification (germline): Uncertain significance (1 of 4 stars; one submission).

gnomAD v4.1: 1 of 1,613,624 alleles (0.000062%); highest among the groups gnomAD compares: African/African-American, 0.0013%; no homozygotes.

Submission:

Labcorp Genetics (formerly Invitae), Labcorp
Classification: Uncertain significance. Last evaluated: 2024-12-30. Review status: criteria provided, single submitter. Criteria: Invitae Variant Classification Sherloc (09022015). Collection method: clinical testing. Allele origin: germline.
Comment: This sequence change falls in intron 11 of the DEAF1 gene. It does not directly change the encoded amino acid sequence of the DEAF1 protein. It affects a nucleotide within the consensus splice site. This variant is present in population databases (no rsID available, gnomAD 0.01%). This variant has not been reported in the literature in individuals affected with DEAF1-related conditions. ClinVar contains an entry for this variant (Variation ID: 2172337). Variants that disrupt the consensus splice site are a relatively common cause of aberrant splicing (PMID: 17576681, 9536098). Algorithms developed to predict the effect of sequence changes on RNA splicing suggest that this variant is not likely to affect RNA splicing. In summary, the available evidence is currently insufficient to determine the role of this variant in disease. Therefore, it has been classified as a Variant of Uncertain Significance.

Literature cited by the submitters: PubMed 17576681; PubMed 9536098.